The following is an entry in ClinVar:

ClinVar aggregate classification (germline): Uncertain significance (1 of 4 stars; one submission).

Submission:

CeGaT Center for Human Genetics Tuebingen
Classification: Uncertain significance. Last evaluated: 2026-10-01. Review status: criteria provided, single submitter. Criteria: CeGaT Center For Human Genetics Tuebingen Variant Classification Criteria Version 2. Collection method: clinical testing. Allele origin: germline. Affected: yes. Observed: 1 variant allele.
Comment: KRT12: PM2, BP4

NM_000223.4(KRT12):c.55C>G (p.Arg19Gly)

Gene: KRT12 (keratin 12; minus strand). Cytogenetic location: 17q21.2.
Variant type: single nucleotide variant.
Coding change: c.55C>G on transcript NM_000223.4 (MANE Select); coding-DNA position 55, C replaced by G.
Protein change: p.Arg19Gly; replaces arginine 19 with glycine.
Molecular consequence: missense variant.
Genome position (GRCh38, 1-based): chr17:40,867,132, G>C on the plus strand (C>G on the coding strand, the complement: KRT12 is on the minus strand). VCF-style: chr17-40867132-G-C. GRCh37 (hg19) VCF-style: chr17-39023384-G-C.
Other names: short protein forms R19G.
Identifiers: ClinVar variation 5041469 (VCV005041469.1).
Genomic context (GRCh38, chr17:40,867,132, plus strand): 5'-CAACACTGGAAGCAGACATGCCCCTGGGTCTGCCTATCACACTCTGCGAGGAGAGCCGCC[G>C]GGACAGTCCGGGGGTGCGCACTGAGAGTGACATGGTGTTGTTGGAGAGATCCATGGCCTG-3'
Protein context (NP_000214.1, residues 9-29): SLSVRTPGLS[Arg19Gly]RLSSQSVIGR